The following is an entry in ClinVar:

ClinVar aggregate classification (germline): Uncertain significance (1 of 4 stars; one submission).

Conditions:
Fanconi anemia (FA). Also called: Fanconi's anemia. Identifiers: Orphanet 84, MedGen C0015625, MeSH D005199, MONDO:0019391.

Submission:

Labcorp Genetics (formerly Invitae), Labcorp
Classification: Uncertain significance for Fanconi anemia. Last evaluated: 2023-01-12. Review status: criteria provided, single submitter. Criteria: Invitae Variant Classification Sherloc (09022015). Collection method: clinical testing. Allele origin: germline.
Comment: This variant has not been reported in the literature in individuals affected with FANCM-related conditions. In summary, the available evidence is currently insufficient to determine the role of this variant in disease. Therefore, it has been classified as a Variant of Uncertain Significance. Algorithms developed to predict the effect of missense changes on protein structure and function output the following: SIFT: "Tolerated"; PolyPhen-2: "Benign"; Align-GVGD: "Class C0". The leucine amino acid residue is found in multiple mammalian species, which suggests that this missense change does not adversely affect protein function. This variant is not present in population databases (gnomAD no frequency). This sequence change replaces isoleucine, which is neutral and non-polar, with leucine, which is neutral and non-polar, at codon 334 of the FANCM protein (p.Ile334Leu).

NM_020937.4(FANCM):c.1000A>C (p.Ile334Leu)

Gene: FANCM (FA complementation group M; plus strand). Cytogenetic location: 14q21.2.
Variant type: single nucleotide variant.
Coding change: c.1000A>C on transcript NM_020937.4 (MANE Select); coding-DNA position 1000, A replaced by C.
Protein change: p.Ile334Leu; replaces isoleucine 334 with leucine.
Molecular consequence: missense variant.
Genome position (GRCh38, 1-based): chr14:45,151,478, A>C. VCF-style: chr14-45151478-A-C. GRCh37 (hg19) VCF-style: chr14-45620681-A-C.
Other names: c.922A>C, p.Ile308Leu (NM_001308133.2); c.1000A>C, p.Ile334Leu (NM_001308134.2); short protein forms I334L, I308L.
Identifiers: ClinVar variation 2067028 (VCV002067028.4), dbSNP rs2503093197, ClinGen allele CA389590646.